The following is an entry in ClinVar:

ClinVar aggregate classification (germline): Conflicting classifications of pathogenicity. Review status: criteria provided, conflicting classifications (1 of 4 stars). 5 submissions from 5 submitters: Uncertain significance (2); Benign (1); Likely benign (1). 1 of the submissions does not count toward it. Last evaluated 2026-01-24.

Conditions:
PCARE-related disorder. Also called: PCARE-related condition.
Retinitis pigmentosa (RP). Identifiers: Orphanet 791, MedGen C0035334, MeSH D012174, MONDO:0019200, OMIM 268000. Inheritance: Autosomal dominant, autosomal recessive and X linked inheritance.

Allele frequency attached by ClinVar (database versions not stated): gnomAD exomes 0.00037; ExAC 0.00049; gnomAD 0.00131 and 0.00135; ESP Exome Variant Server 0.00138; TOPMed 0.00148; 1000 Genomes Project 0.00260; 1000 Genomes Project 30x 0.00281.
gnomAD v4.1: 501 of 1,614,252 alleles (0.031%); highest among the groups gnomAD compares: African/African-American, 0.49%; 2 homozygotes.

Submissions (5):

Labcorp Genetics (formerly Invitae), Labcorp
Classification: Benign. Last evaluated: 2026-01-24. Review status: criteria provided, single submitter. Criteria: Invitae Variant Classification Sherloc (09022015). Collection method: clinical testing. Allele origin: germline.

Blueprint Genetics
Classification: Likely benign. Last evaluated: 2024-09-25. Review status: criteria provided, single submitter. Criteria: ACMG Guidelines, 2015. Collection method: clinical testing. Allele origin: germline.

Illumina Laboratory Services, Illumina
Classification: Uncertain significance for Retinitis pigmentosa. Last evaluated: 2018-01-12. Review status: criteria provided, single submitter. Criteria: ICSL Variant Classification Criteria 13 December 2019. Collection method: clinical testing. Allele origin: germline.

Eurofins Ntd Llc (ga)
Classification: Uncertain significance. Last evaluated: 2014-04-29. Review status: criteria provided, single submitter. Criteria: EGL Classification Definitions 2015. Collection method: clinical testing. Allele origin: germline. Observed: 1 variant allele, 1 heterozygote.

PreventionGenetics, part of Exact Sciences
Classification: Likely benign for PCARE-related condition. Last evaluated: 2019-08-01. Review status: no assertion criteria provided. Collection method: clinical testing. Allele origin: germline. Not counted in ClinVar's aggregate classification.
Comment: This variant is classified as likely benign based on ACMG/AMP sequence variant interpretation guidelines (Richards et al. 2015 PMID: 25741868, with internal and published modifications).

NM_001029883.3(PCARE):c.2418C>T (p.Pro806=)

Gene: PCARE (photoreceptor cilium actin regulator; minus strand). Cytogenetic location: 2p23.2.
Variant type: single nucleotide variant.
Coding change: c.2418C>T on transcript NM_001029883.3 (MANE Select); coding-DNA position 2418, C replaced by T.
Protein change: p.Pro806=; no amino-acid change (proline 806 retained).
Molecular consequence: synonymous variant.
Genome position (GRCh38, 1-based): chr2:29,071,844, G>A on the plus strand (C>T on the coding strand, the complement: PCARE is on the minus strand). VCF-style: chr2-29071844-G-A. GRCh37 (hg19) VCF-style: chr2-29294710-G-A.
Identifiers: ClinVar variation 166761 (VCV000166761.23), dbSNP rs189042259, ClinGen allele CA233557.
Genomic context (GRCh38, chr2:29,071,844, plus strand): 5'-GTTCCCCTCCATTTCACAGCTGAGCTCCTCACTCTTGGCTGCTTCTGCTTTAGGCAGAGG[G>A]GGAAAGATAGGTGCTAAGGGCTTCCAGCCTATGCCCATTTTGAGAGATTCTCTGCCTGAT-3'
Protein context (NP_001025054.1, residues 796-816): IGWKPLAPIF[Pro806=]PLPKAEAAKS